The following is an entry in ClinVar:

NM_000288.4(PEX7):c.947del (p.Pro316fs)

Gene: PEX7 (peroxisomal biogenesis factor 7; plus strand). Cytogenetic location: 6q23.3.
Variant type: Deletion.
Coding change: c.947del on transcript NM_000288.4 (MANE Select); coding-DNA position 947, one base deleted (C; older notation c.947delC).
Protein change: p.Pro316fs; shifts the reading frame from proline 316.
Molecular consequence: frameshift variant.
Genome position (GRCh38, 1-based): chr6:136,913,501, C deleted; the last of 3 consecutive C bases (chr6:136,913,499-136,913,501); deleting any one gives the same sequence. VCF-style (leftmost placement, unchanged base first): chr6-136913498-AC-A. GRCh37 (hg19) VCF-style: chr6-137234636-AC-A.
Other names: short protein forms P316fs.
Identifiers: ClinVar variation 1192278 (VCV001192278.1), dbSNP rs2115300156, ClinGen allele CA2499218122.

ClinVar aggregate classification (germline): Uncertain significance (1 of 4 stars; one submission).

Submission:

Women's Health and Genetics/Laboratory Corporation of America, LabCorp
Classification: Uncertain significance. Last evaluated: 2021-07-19. Review status: criteria provided, single submitter. Criteria: LabCorp Variant Classification Summary - May 2015. Collection method: clinical testing. Allele origin: germline.
Comment: Variant summary: PEX7 c.947delC (p.Pro316LeufsX29) causes a frameshift which results in an extension of the protein which normally contains 323 amino acids. The variant was absent in 251232 control chromosomes. To our knowledge, no occurrence of c.947delC in individuals affected with Rhizomelic Chondrodysplasia Punctata Type 1 and no experimental evidence demonstrating its impact on protein function have been reported. No clinical diagnostic laboratories have submitted clinical-significance assessments for this variant to ClinVar after 2014. To our knowledge, no elongation variants have been reported in HGMD or ClinVar. Based on the evidence outlined above and the unknown impact of the additional amino acids to the protein, the variant was classified as VUS.